The following is an entry in ClinVar:

NM_005236.3(ERCC4):c.2647G>A (p.Glu883Lys)

Gene: ERCC4 (ERCC excision repair 4, endonuclease catalytic subunit; plus strand). Cytogenetic location: 16p13.12.
Variant type: single nucleotide variant.
Coding change: c.2647G>A on transcript NM_005236.3 (MANE Select); coding-DNA position 2647, G replaced by A.
Protein change: p.Glu883Lys; replaces glutamic acid 883 with lysine.
Molecular consequence: missense variant.
Genome position (GRCh38, 1-based): chr16:13,948,243, G>A. VCF-style: chr16-13948243-G-A. GRCh37 (hg19) VCF-style: chr16-14042100-G-A.
Other names: short protein forms E883K.
Identifiers: ClinVar variation 697490 (VCV000697490.44), dbSNP rs201652412, ClinGen allele CA7910788.

ClinVar aggregate classification (germline): Benign/Likely benign. Review status: criteria provided, multiple submitters, no conflicts (2 of 4 stars). 10 submissions from 10 submitters: Benign (1); Likely benign (7). 2 of the submissions do not count toward it. Last evaluated 2026-08-01.

Conditions:
Xeroderma pigmentosum (XP). Identifiers: Orphanet 910, MedGen C0043346, MONDO:0019600.
Xeroderma pigmentosum, group F (XPF). Also called: XERODERMA PIGMENTOSUM VI; XP, GROUP F; XERODERMA PIGMENTOSUM, TYPE F; Xeroderma pigmentosum, type 6; XERODERMA PIGMENTOSUM, COMPLEMENTATION GROUP F; ERCC4-Related Xeroderma Pigmentosum. Identifiers: MedGen C0268140, MONDO:0010215, OMIM 278760.
ERCC4-related disorder. Also called: ERCC4-related condition.
Cockayne syndrome. Identifiers: Orphanet 191, MedGen C0009207, MONDO:0016006.
Fanconi anemia complementation group Q. Identifiers: Orphanet 84, MedGen C3808988, MONDO:0014108, OMIM 615272.
Ovarian cancer. Also called: OVARIAN CANCER, SOMATIC. Identifiers: Orphanet 213500, MedGen C1140680, MONDO:0008170, OMIM 167000.

Allele frequency attached by ClinVar (database versions not stated): gnomAD 0.00012 and 0.00019; ESP Exome Variant Server 0.00015; TOPMed 0.00015; gnomAD exomes 0.00038 and 0.00054; 1000 Genomes Project 30x 0.00047; ExAC 0.00059; 1000 Genomes Project 0.00060.
gnomAD v4.1: 585 of 1,614,092 alleles (0.036%); highest among the groups gnomAD compares: South Asian, 0.36%; 9 homozygotes.

Submissions (10):

CeGaT Center for Human Genetics Tuebingen
Classification: Likely benign. Last evaluated: 2026-08-01. Review status: criteria provided, single submitter. Criteria: CeGaT Center For Human Genetics Tuebingen Variant Classification Criteria Version 2. Collection method: clinical testing. Allele origin: germline. Affected: yes. Observed: 7 variant alleles.
Comment: ERCC4: BP4, BS2

Labcorp Genetics (formerly Invitae), Labcorp
Classification: Likely benign for Fanconi anemia complementation group Q; Xeroderma pigmentosum, group F; Cockayne syndrome. Last evaluated: 2025-12-29. Review status: criteria provided, single submitter. Criteria: Invitae Variant Classification Sherloc (09022015). Collection method: clinical testing. Allele origin: germline.

Blueprint Genetics
Classification: Likely benign. Last evaluated: 2024-11-21. Review status: criteria provided, single submitter. Criteria: ACMG Guidelines, 2015. Collection method: clinical testing. Allele origin: germline.

Laboratory of Molecular Epidemiology of Birth Defects, West China Second University Hospital, Sichuan University
Classification: Benign for Ovarian cancer. Last evaluated: 2022-01-01. Review status: criteria provided, single submitter. Criteria: ACMG Guidelines, 2015. Collection method: clinical testing. Allele origin: germline. Affected: yes.

Sema4
Classification: Likely benign for Xeroderma pigmentosum. Last evaluated: 2021-08-06. Review status: criteria provided, single submitter. Criteria: Sema4 Curation Guidelines. Collection method: curation. Allele origin: germline.

Mendelics
Classification: Likely benign for Xeroderma pigmentosum, group F. Last evaluated: 2019-05-28. Review status: criteria provided, single submitter. Criteria: Mendelics Assertion Criteria 2017. Collection method: clinical testing. Allele origin: unknown.

Illumina Laboratory Services, Illumina
Classification: Likely benign for Xeroderma pigmentosum, group F. Last evaluated: 2018-01-13. Review status: criteria provided, single submitter. Criteria: ICSL Variant Classification Criteria 13 December 2019. Collection method: clinical testing. Allele origin: germline.
Comment: This variant was observed in the ICSL laboratory as part of a predisposition screen in an ostensibly healthy population. It had not been previously curated by ICSL or reported in the Human Gene Mutation Database (HGMD: prior to June 1st, 2018), and was therefore a candidate for classification through an automated scoring system. Utilizing variant allele frequency, disease prevalence and penetrance estimates, and inheritance mode, an automated score was calculated to assess if this variant is too frequent to cause the disease. Based on the score and internal cut-off values, a variant classified as likely benign is not then subjected to further curation. The score for this variant resulted in a classification of likely benign for this disease.

Breakthrough Genomics
Classification: Likely benign. Review status: criteria provided, single submitter. Criteria: ACMG Guidelines, 2015. Collection method: not provided. Allele origin: germline. Inheritance: Autosomal recessive inheritance. Affected: yes.

PreventionGenetics, part of Exact Sciences
Classification: Likely benign for ERCC4-related condition. Last evaluated: 2022-04-06. Review status: no assertion criteria provided. Collection method: clinical testing. Allele origin: germline. Not counted in ClinVar's aggregate classification.
Comment: This variant is classified as likely benign based on ACMG/AMP sequence variant interpretation guidelines (Richards et al. 2015 PMID: 25741868, with internal and published modifications).

Department of Pathology and Laboratory Medicine, Sinai Health System
Classification: Likely benign. Review status: no assertion criteria provided. Collection method: clinical testing. Allele origin: unknown. Affected: yes. Study: The Canadian Open Genetics Repository (COGR). Not counted in ClinVar's aggregate classification.
Comment: The ERCC4 p.Glu883Lys variant was not identified in the literature nor was it identified in ClinVar or LOVD 3.0. The variant was identified in dbSNP (ID: rs201652412) and in control databases in 134 of 268246 chromosomes (2 homozygous) at a frequency of 0.0004995 increasing the likelihood this could be a low frequency benign variant (Genome Aggregation Database March 6, 2019, v2.1.1). The variant was observed in the following populations: South Asian in 90 of 30526 chromosomes (freq: 0.002948), Other in 5 of 6702 chromosomes (freq: 0.000746), Ashkenazi Jewish in 6 of 9858 chromosomes (freq: 0.000609), European (non-Finnish) in 31 of 118102 chromosomes (freq: 0.000263) and Latino in 2 of 35108 chromosomes (freq: 0.000057), but was not observed in the African, East Asian, or European (Finnish) populations. The p.Glu883 residue is not conserved in mammals and computational analyses (PolyPhen-2, SIFT, AlignGVGD, BLOSUM, MutationTaster) do not suggest a high likelihood of impact to the protein; however, this information is not predictive enough to rule out pathogenicity. The variant occurs outside of the splicing consensus sequence and in silico or computational prediction software programs (SpliceSiteFinder, MaxEntScan, NNSPLICE, GeneSplicer) do not predict a difference in splicing. In summary, based on the above information the clinical significance of this variant cannot be determined with certainty at this time although we would lean towards a more benign role for this variant. This variant is classified as likely benign.